The following is an entry in ClinVar:

NM_006662.3(SRCAP):c.7420del (p.Pro2473_Ile2474insTer)

Gene: SRCAP (Snf2 related CREBBP activator protein; plus strand). Cytogenetic location: 16p11.2.
Variant type: Deletion.
Coding change: c.7420del on transcript NM_006662.3 (MANE Select); coding-DNA position 7420, one base deleted (A; older notation c.7420delA).
Protein change: p.Pro2473_Ile2474insTer.
Molecular consequence: nonsense.
Genome position (GRCh38, 1-based): chr16:30,737,460, A deleted; the last of 2 consecutive A bases (chr16:30,737,459-30,737,460); deleting either gives the same sequence. VCF-style (leftmost placement, unchanged base first): chr16-30737458-CA-C. GRCh37 (hg19) VCF-style: chr16-30748779-CA-C.
Identifiers: ClinVar variation 3659454 (VCV003659454.2).

ClinVar aggregate classification (germline): Pathogenic (1 of 4 stars; one submission).

Submission:

Labcorp Genetics (formerly Invitae), Labcorp
Classification: Pathogenic. Last evaluated: 2024-07-13. Review status: criteria provided, single submitter. Criteria: Invitae Variant Classification Sherloc (09022015). Collection method: clinical testing. Allele origin: germline.
Comment: This sequence change creates a premature translational stop signal (p.Ile2474*) in the SRCAP gene. While this is not anticipated to result in nonsense mediated decay, it is expected to disrupt the last 757 amino acid(s) of the SRCAP protein. This variant is not present in population databases (gnomAD no frequency). This variant has not been reported in the literature in individuals affected with SRCAP-related conditions. This variant disrupts a region of the SRCAP protein in which other variant(s) (p.Arg3189*) have been determined to be pathogenic (PMID: 31130284). This suggests that this is a clinically significant region of the protein, and that variants that disrupt it are likely to be disease-causing. For these reasons, this variant has been classified as Pathogenic.

Literature cited by the submitters: PubMed 31130284.